The following is an entry in ClinVar:

ClinVar aggregate classification (germline): Likely benign (1 of 4 stars; one submission).

Allele frequency attached by ClinVar (database versions not stated): gnomAD exomes 0.00015; 1000 Genomes Project 30x 0.00016; gnomAD 0.00031; TOPMed 0.00049.

Submission:

CeGaT Center for Human Genetics Tuebingen
Classification: Likely benign. Last evaluated: 2024-06-01. Review status: criteria provided, single submitter. Criteria: CeGaT Center For Human Genetics Tuebingen Variant Classification Criteria Version 2. Collection method: clinical testing. Allele origin: germline. Affected: yes. Observed: 1 variant allele.
Comment: SHANK3: PP2, BS1

NM_001372044.2(SHANK3):c.70G>T (p.Ala24Ser)

Gene: SHANK3 (SH3 and multiple ankyrin repeat domains 3; plus strand). Cytogenetic location: 22q13.33.
Variant type: single nucleotide variant.
Coding change: c.70G>T on transcript NM_001372044.2 (MANE Select); coding-DNA position 70, G replaced by T.
Protein change: p.Ala24Ser; replaces alanine 24 with serine.
Molecular consequence: missense variant.
Genome position (GRCh38, 1-based): chr22:50,674,484, G>T. VCF-style: chr22-50674484-G-T. GRCh37 (hg19) VCF-style: chr22-51112912-G-T.
Other names: short protein forms A24S.
Identifiers: ClinVar variation 3250871 (VCV003250871.18), dbSNP rs1185730781.